The following is an entry in ClinVar:

ClinVar aggregate classification (germline): Uncertain significance. Review status: criteria provided, multiple submitters, no conflicts (2 of 4 stars). 2 submissions from 2 submitters: Uncertain significance (2). Last evaluated 2025-09-27.

gnomAD v4.1: 14 of 1,613,360 alleles (0.00087%); highest among the groups gnomAD compares: African/African-American, 0.0013%; no homozygotes.

Submissions (2):

Labcorp Genetics (formerly Invitae), Labcorp
Classification: Uncertain significance. Last evaluated: 2025-09-27. Review status: criteria provided, single submitter. Criteria: Invitae Variant Classification Sherloc (09022015). Collection method: clinical testing. Allele origin: germline.
Comment: This sequence change replaces glycine, which is neutral and non-polar, with arginine, which is basic and polar, at codon 1525 of the KMT2B protein (p.Gly1525Arg). This variant is present in population databases (rs779867806, gnomAD 0.007%). This variant has not been reported in the literature in individuals affected with KMT2B-related conditions. ClinVar contains an entry for this variant (Variation ID: 3389330). Experimental studies and prediction algorithms are not available or were not evaluated, and the functional significance of this variant is currently unknown. Algorithms developed to predict the effect of sequence changes on RNA splicing suggest that this variant may create or strengthen a splice site. In summary, the available evidence is currently insufficient to determine the role of this variant in disease. Therefore, it has been classified as a Variant of Uncertain Significance.

CeGaT Center for Human Genetics Tuebingen
Classification: Uncertain significance. Last evaluated: 2024-11-01. Review status: criteria provided, single submitter. Criteria: CeGaT Center For Human Genetics Tuebingen Variant Classification Criteria Version 2. Collection method: clinical testing. Allele origin: germline. Affected: yes. Observed: 1 variant allele.
Comment: KMT2B: PP3

NM_014727.3(KMT2B):c.4573G>A (p.Gly1525Arg)

Gene: KMT2B (lysine methyltransferase 2B; plus strand). Cytogenetic location: 19q13.12.
Variant type: single nucleotide variant.
Coding change: c.4573G>A on transcript NM_014727.3 (MANE Select); coding-DNA position 4573, G replaced by A.
Protein change: p.Gly1525Arg; replaces glycine 1525 with arginine.
Molecular consequence: missense variant.
Genome position (GRCh38, 1-based): chr19:35,728,775, G>A. VCF-style: chr19-35728775-G-A. GRCh37 (hg19) VCF-style: chr19-36219676-G-A.
Other names: short protein forms G1525R.
Identifiers: ClinVar variation 3389330 (VCV003389330.15).